The following is an entry in ClinVar:

NM_001849.4(COL6A2):c.999+9_1053+32delinsGCTGAAGGAGGGGTGCAAACGGCCCTTACCCGGTTTCCAGGGTCTCCCTTGCAGCCTTCA

Gene: COL6A2 (collagen type VI alpha 2 chain; plus strand). Cytogenetic location: 21q22.3.
Variant type: Indel.
Coding change: c.999+9_1053+32delinsGCTGAAGGAGGGGTGCAAACGGCCCTTACCCGGTTTCCAGGGTCTCCCTTGCAGCCTTCA on transcript NM_001849.4 (MANE Select); 9 bases into the intron after coding-DNA position 999 through 32 bases into the intron after coding-DNA position 1053, the reference bases replaced by an inserted sequence.
Molecular consequence: splice acceptor variant, splice donor variant.
Genome position (GRCh38, 1-based): chr21:46,116,823-46,117,485, 663 bases replaced. GRCh37 (hg19): chr21:47,536,737-47,537,399.
Other names: c.999+9_1053+32delinsGCTGAAGGAGGGGTGCAAACGGCCCTTACCCGGTTTCCAGGGTCTCCCTTGCAGCCTTCA (NM_058175.3, NM_058174.3).
Identifiers: ClinVar variation 1070535 (VCV001070535.7), dbSNP rs2123628848, ClinGen allele CA2499225997.

ClinVar aggregate classification (germline): Pathogenic (1 of 4 stars; one submission).

Conditions:
Bethlem myopathy 1A. Also called: MYOPATHY, BENIGN CONGENITAL, WITH CONTRACTURES; Bethlem Muscular Dystrophy; Bethlem myopathy 1. Identifiers: Orphanet 610, MedGen CN029274, MONDO:0024530, OMIM 158810.

Submission:

Labcorp Genetics (formerly Invitae), Labcorp
Classification: Pathogenic for Bethlem myopathy 1A. Last evaluated: 2020-02-10. Review status: criteria provided, single submitter. Criteria: Invitae Variant Classification Sherloc (09022015). Collection method: clinical testing. Allele origin: germline.
Comment: This variant is an in-frame deletion of the genomic region encompassing exon 11 of the COL6A2 gene. It preserves the integrity of the reading frame. Deletion of exon 11 has been observed in individual(s) with clinical features of type VI collagenopathy (PMID: 18378883, 24271325, Invitae). It has also been observed to segregate with disease in related individual For these reasons, this variant has been classified as Pathogenic.

Literature cited by the submitters: PubMed 18378883; PubMed 24271325.